The following is an entry in ClinVar:

NM_015570.4(AUTS2):c.3437_3457del (p.Gly1146_Arg1152del)

Gene: AUTS2 (activator of transcription and developmental regulator AUTS2; plus strand). Cytogenetic location: 7q11.22.
Variant type: Deletion.
Coding change: c.3437_3457del on transcript NM_015570.4 (MANE Select); coding-DNA positions 3437 to 3457, 21 bases deleted (GAGGCCACCTGGACGAGCGGG).
Protein change: p.Gly1146_Arg1152del.
Molecular consequence: inframe deletion.
Genome position (GRCh38, 1-based): chr7:70,790,653-70,790,673, GAGGCCACCTGGACGAGCGGG deleted; deleting any 21 consecutive bases within chr7:70,790,644-70,790,673 gives the same sequence; the c. name uses the placement nearest the transcript's 3' end. VCF-style (leftmost placement, unchanged base first): chr7-70790643-CACGAGCGGGGAGGCCACCTGG-C. GRCh37 (hg19) VCF-style: chr7-70255629-CACGAGCGGGGAGGCCACCTGG-C.
Other names: c.3365_3385del, p.Gly1122_Arg1128del (NM_001127231.3).
Identifiers: ClinVar variation 420967 (VCV000420967.4), dbSNP rs1064794822, ClinGen allele CA16618556.

ClinVar aggregate classification (germline): Uncertain significance. Review status: criteria provided, multiple submitters, no conflicts (2 of 4 stars). 2 submissions from 2 submitters: Uncertain significance (2). Last evaluated 2025-09-23.

Submissions (2):

Labcorp Genetics (formerly Invitae), Labcorp
Classification: Uncertain significance. Last evaluated: 2025-09-23. Review status: criteria provided, single submitter. Criteria: Invitae Variant Classification Sherloc (09022015). Collection method: clinical testing. Allele origin: germline.
Comment: This variant, c.3437_3457del, results in the deletion of 7 amino acid(s) of the AUTS2 protein (p.Gly1146_Arg1152del), but otherwise preserves the integrity of the reading frame. This variant is present in population databases (no rsID available, gnomAD 0.007%). This variant has not been reported in the literature in individuals affected with AUTS2-related conditions. ClinVar contains an entry for this variant (Variation ID: 420967). Experimental studies and prediction algorithms are not available or were not evaluated, and the functional significance of this variant is currently unknown. In summary, the available evidence is currently insufficient to determine the role of this variant in disease. Therefore, it has been classified as a Variant of Uncertain Significance.

GeneDx
Classification: Uncertain significance. Last evaluated: 2016-04-15. Review status: criteria provided, single submitter. Criteria: GeneDx Variant Classification (06012015). Collection method: clinical testing. Allele origin: germline. Affected: yes.
Comment: The c.3437_3457del21 variant in the AUTS2 gene has not been reported previously as a disease-causing pathogenic variant nor as a benign polymorphism, to our knowledge. The c.3437_3457del21 variant causes an in-frame deletion of seven amino acid residues starting with codon Glycine 1146, denoted p.Gly1146_Arg1152del. The c.3437_3457del21 variant was not observed in approximately 6,500 individuals of European and African American ancestry in the NHLBI Exome Sequencing Project, indicating it is not a common benign variant in these populations. We interpret c.3437_3457del21 as a variant of unknown significance.